The following is an entry in ClinVar:

ClinVar aggregate classification (germline): Likely pathogenic (1 of 4 stars; one submission).

Submission:

Labcorp Genetics (formerly Invitae), Labcorp
Classification: Likely pathogenic. Last evaluated: 2025-03-26. Review status: criteria provided, single submitter. Criteria: Invitae Variant Classification Sherloc (09022015). Collection method: clinical testing. Allele origin: germline.
Comment: This sequence change affects a donor splice site in intron 25 of the COL4A1 gene. It is expected to disrupt RNA splicing. Variants that disrupt the donor or acceptor splice site typically lead to a loss of protein function (PMID: 16199547), and loss-of-function variants in COL4A1 are known to be pathogenic (PMID: 23225343). This variant is not present in population databases (gnomAD no frequency). Disruption of this splice site has been observed in individual(s) with COL4A1-related conditions (PMID: 31302675). Algorithms developed to predict the effect of sequence changes on RNA splicing suggest that this variant may disrupt the consensus splice site. In summary, the currently available evidence indicates that the variant is pathogenic, but additional data are needed to prove that conclusively. Therefore, this variant has been classified as Likely Pathogenic.

Literature cited by the submitters: PubMed 16199547; PubMed 23225343; PubMed 31302675.

NM_001845.6(COL4A1):c.1728+1G>T

Gene: COL4A1 (collagen type IV alpha 1 chain; minus strand). Cytogenetic location: 13q34.
Variant type: single nucleotide variant.
Coding change: c.1728+1G>T on transcript NM_001845.6 (MANE Select); the canonical splice donor site of the intron after coding-DNA position 1728, G replaced by T.
Molecular consequence: splice donor variant.
Genome position (GRCh38, 1-based): chr13:110,187,137, C>A on the plus strand (G>T on the coding strand, the complement: COL4A1 is on the minus strand). VCF-style: chr13-110187137-C-A. GRCh37 (hg19) VCF-style: chr13-110839484-C-A.
Identifiers: ClinVar variation 4716040 (VCV004716040.1).